The following is an entry in ClinVar:

ClinVar aggregate classification (germline): Uncertain significance (1 of 4 stars; one submission).

Submission:

Women's Health and Genetics/Laboratory Corporation of America, LabCorp
Classification: Uncertain significance. Last evaluated: 2025-07-23. Review status: criteria provided, single submitter. Criteria: LabCorp Variant Classification Summary - May 2015. Collection method: clinical testing. Allele origin: germline.
Comment: Variant summary: SALL1 c.478G>T (p.Gly160Cys) results in a non-conservative amino acid change in the encoded protein sequence. Algorithms developed to predict the effect of missense changes on protein structure and function are either unavailable or do not agree on the potential impact of this missense change. The variant was absent in 213596 control chromosomes. The available data on variant occurrences in the general population are insufficient to allow any conclusion about variant significance. To our knowledge, no occurrence of c.478G>T in individuals affected with Townes-Brocks Syndrome 1 and no experimental evidence demonstrating its impact on protein function have been reported. No submitters have cited clinical-significance assessments for this variant to ClinVar. Based on the evidence outlined above, the variant was classified as uncertain significance.

NM_002968.3(SALL1):c.478G>T (p.Gly160Cys)

Gene: SALL1 (spalt like transcription factor 1; minus strand). Cytogenetic location: 16q12.1.
Variant type: single nucleotide variant.
Coding change: c.478G>T on transcript NM_002968.3 (MANE Select); coding-DNA position 478, G replaced by T.
Protein change: p.Gly160Cys; replaces glycine 160 with cysteine.
Molecular consequence: missense variant.
Genome position (GRCh38, 1-based): chr16:51,141,744, C>A on the plus strand (G>T on the coding strand, the complement: SALL1 is on the minus strand). VCF-style: chr16-51141744-C-A. GRCh37 (hg19) VCF-style: chr16-51175655-C-A.
Other names: c.187G>T, p.Gly63Cys (NM_001127892.2); short protein forms G160C, G63C.
Identifiers: ClinVar variation 4526269 (VCV004526269.1).